The following is an entry in ClinVar:

NM_024741.3(ZNF408):c.1000A>G (p.Thr334Ala)

Gene: ZNF408 (zinc finger protein 408; plus strand). Cytogenetic location: 11p11.2.
Variant type: single nucleotide variant.
Coding change: c.1000A>G on transcript NM_024741.3 (MANE Select); coding-DNA position 1000, A replaced by G.
Protein change: p.Thr334Ala; replaces threonine 334 with alanine.
Molecular consequence: missense variant.
Genome position (GRCh38, 1-based): chr11:46,704,700, A>G. VCF-style: chr11-46704700-A-G. GRCh37 (hg19) VCF-style: chr11-46726250-A-G.
Other names: c.976A>G, p.Thr326Ala (NM_001184751.2); short protein forms T326A, T334A.
Identifiers: ClinVar variation 2007738 (VCV002007738.4), dbSNP rs778093196, ClinGen allele CA5966471.

ClinVar aggregate classification (germline): Uncertain significance (1 of 4 stars; one submission).

Allele frequency attached by ClinVar (database versions not stated): gnomAD exomes below 0.00001; ExAC 0.00001; TOPMed 0.00001; gnomAD 0.00001.
gnomAD v4.1: 6 of 1,610,812 alleles (0.00037%); highest among the groups gnomAD compares: Middle Eastern, 0.017%; no homozygotes.

Submission:

Labcorp Genetics (formerly Invitae), Labcorp
Classification: Uncertain significance. Last evaluated: 2025-03-31. Review status: criteria provided, single submitter. Criteria: Invitae Variant Classification Sherloc (09022015). Collection method: clinical testing. Allele origin: germline.
Comment: This sequence change replaces threonine, which is neutral and polar, with alanine, which is neutral and non-polar, at codon 334 of the ZNF408 protein (p.Thr334Ala). This variant is present in population databases (rs778093196, gnomAD 0.007%). This variant has not been reported in the literature in individuals affected with ZNF408-related conditions. ClinVar contains an entry for this variant (Variation ID: 2007738). An algorithm developed to predict the effect of missense changes on protein structure and function outputs the following: PolyPhen-2: "Benign". The alanine amino acid residue is found in multiple mammalian species, which suggests that this missense change does not adversely affect protein function. In summary, the available evidence is currently insufficient to determine the role of this variant in disease. Therefore, it has been classified as a Variant of Uncertain Significance.